The following is an entry in ClinVar:

NM_001130438.3(SPTAN1):c.3156-6G>T

Gene: SPTAN1 (spectrin alpha, non-erythrocytic 1; plus strand). Cytogenetic location: 9q34.11.
Variant type: single nucleotide variant.
Coding change: c.3156-6G>T on transcript NM_001130438.3 (MANE Select); 6 bases into the intron before coding-DNA position 3156, G replaced by T.
Molecular consequence: intron variant.
Genome position (GRCh38, 1-based): chr9:128,592,977, G>T. VCF-style: chr9-128592977-G-T. GRCh37 (hg19) VCF-style: chr9-131355256-G-T.
Other names: c.3192-6G>T (NM_001375318.1, NM_001375312.2); c.3156-6G>T (NM_001375311.2, NM_001375310.1, NM_001363759.2 and 2 more transcripts); c.3156-1198G>T (NM_001375314.2, NM_001363765.2, NM_001195532.2).
Identifiers: ClinVar variation 2110540 (VCV002110540.4), dbSNP rs2541425626, ClinGen allele CA2580079765.
Genomic context (GRCh38, chr9:128,592,977, plus strand): 5'-GCCTTTCATCCCTGTGGATTAACCCCACTAATTCGTGCATGCTTTTGCTGTGCCCCCTCT[G>T]TGCAGGACACGCATAACTAAGGAGGCCGGCAGTGTATCTCTGCGTATGAAGCAGGTGGAA-3'

ClinVar aggregate classification (germline): Uncertain significance (1 of 4 stars; one submission).

Conditions:
Early-infantile DEE. Also called: Early infantile epileptic encephalopathy; Early infantile epileptic encephalopathy with suppression bursts; Ohtahara syndrome. Identifiers: Orphanet 1934, MedGen C0393706, MONDO:0800491.

Submission:

Labcorp Genetics (formerly Invitae), Labcorp
Classification: Uncertain significance for Early-infantile DEE. Last evaluated: 2022-03-12. Review status: criteria provided, single submitter. Criteria: Invitae Variant Classification Sherloc (09022015). Collection method: clinical testing. Allele origin: germline.
Comment: This variant is not present in population databases (gnomAD no frequency). In summary, the available evidence is currently insufficient to determine the role of this variant in disease. Therefore, it has been classified as a Variant of Uncertain Significance. Algorithms developed to predict the effect of sequence changes on RNA splicing suggest that this variant may create or strengthen a splice site. This variant has not been reported in the literature in individuals affected with SPTAN1-related conditions. This sequence change falls in intron 22 of the SPTAN1 gene. It does not directly change the encoded amino acid sequence of the SPTAN1 protein.